The following is an entry in ClinVar:

NM_007327.4(GRIN1):c.901A>G (p.Ile301Val)

Gene: GRIN1 (glutamate ionotropic receptor NMDA type subunit 1; plus strand). Cytogenetic location: 9q34.3.
Variant type: single nucleotide variant.
Coding change: c.901A>G on transcript NM_007327.4 (MANE Select); coding-DNA position 901, A replaced by G.
Protein change: p.Ile301Val; replaces isoleucine 301 with valine.
Molecular consequence: missense variant.
Genome position (GRCh38, 1-based): chr9:137,156,970, A>G. VCF-style: chr9-137156970-A-G. GRCh37 (hg19) VCF-style: chr9-140051422-A-G.
Other names: c.901A>G, p.Ile301Val (NM_000832.7, NM_021569.4); c.964A>G, p.Ile322Val (NM_001185090.2, NM_001185091.2); short protein forms I301V, I322V.
Identifiers: ClinVar variation 3647616 (VCV003647616.2).

ClinVar aggregate classification (germline): Uncertain significance (1 of 4 stars; one submission).

Conditions:
Neurodevelopmental disorder with or without hyperkinetic movements and seizures, autosomal dominant. Also called: Intellectual disability, autosomal dominant 8. Identifiers: MedGen C3280282, MONDO:0013655, OMIM 614254.

Submission:

Labcorp Genetics (formerly Invitae), Labcorp
Classification: Uncertain significance for Neurodevelopmental disorder with or without hyperkinetic movements and seizures, autosomal dominant. Last evaluated: 2024-03-25. Review status: criteria provided, single submitter. Criteria: Invitae Variant Classification Sherloc (09022015). Collection method: clinical testing. Allele origin: germline.
Comment: This sequence change replaces isoleucine, which is neutral and non-polar, with valine, which is neutral and non-polar, at codon 301 of the GRIN1 protein (p.Ile301Val). This variant is not present in population databases (gnomAD no frequency). This variant has not been reported in the literature in individuals affected with GRIN1-related conditions. Advanced modeling of protein sequence and biophysical properties (such as structural, functional, and spatial information, amino acid conservation, physicochemical variation, residue mobility, and thermodynamic stability) has been performed at Invitae for this missense variant, however the output from this modeling did not meet the statistical confidence thresholds required to predict the impact of this variant on GRIN1 protein function. In summary, the available evidence is currently insufficient to determine the role of this variant in disease. Therefore, it has been classified as a Variant of Uncertain Significance.